The following is an entry in ClinVar:

NM_000088.4(COL1A1):c.3466A>C (p.Asn1156His)

Gene: COL1A1 (collagen type I alpha 1 chain; minus strand). Cytogenetic location: 17q21.33.
Variant type: single nucleotide variant.
Coding change: c.3466A>C on transcript NM_000088.4 (MANE Select); coding-DNA position 3466, A replaced by C.
Protein change: p.Asn1156His; replaces asparagine 1156 with histidine.
Molecular consequence: missense variant.
Genome position (GRCh38, 1-based): chr17:50,187,080, T>G on the plus strand (A>C on the coding strand, the complement: COL1A1 is on the minus strand). VCF-style: chr17-50187080-T-G. GRCh37 (hg19) VCF-style: chr17-48264441-T-G.
Other names: short protein forms N1156H.
Identifiers: ClinVar variation 3371663 (VCV003371663.1).

ClinVar aggregate classification (germline): Uncertain significance (1 of 4 stars; one submission).

Submission:

GeneDx
Classification: Uncertain significance. Last evaluated: 2024-04-01. Review status: criteria provided, single submitter. Criteria: GeneDx Variant Classification Process June 2021. Collection method: clinical testing. Allele origin: germline. Affected: yes.
Comment: Not observed at significant frequency in large population cohorts (gnomAD); In silico analysis supports that this missense variant has a deleterious effect on protein structure/function; Has not been previously published as pathogenic or benign to our knowledge; Occurs in the triple helical domain at the Y position in the canonical Gly-X-Y repeat; although this variant may have an effect on normal protein folding and function, missense substitution at the Y position is not a common mechanism of disease (HGMD)